The following is an entry in ClinVar:

NM_001371623.1(TCOF1):c.3518-4C>G

Gene: TCOF1 (treacle ribosome biogenesis factor 1; plus strand). Cytogenetic location: 5q32.
Variant type: single nucleotide variant.
Coding change: c.3518-4C>G on transcript NM_001371623.1 (MANE Select); 4 bases into the intron before coding-DNA position 3518, C replaced by G.
Molecular consequence: intron variant.
Genome position (GRCh38, 1-based): chr5:150,392,701, C>G. VCF-style: chr5-150392701-C-G. GRCh37 (hg19) VCF-style: chr5-149772264-C-G.
Other names: c.3518-7C>G (NM_001135243.2); c.3404-4C>G (NM_001135244.1, NM_001135244.2); c.3404-7C>G (NM_001195141.2); c.3287-4C>G (NM_001135245.2); c.3287-7C>G (NM_000356.4).
Identifiers: ClinVar variation 1313514 (VCV001313514.6), dbSNP rs2151048297, ClinGen allele CA2573052466.

ClinVar aggregate classification (germline): Uncertain significance. Review status: criteria provided, multiple submitters, no conflicts (2 of 4 stars). 3 submissions from 3 submitters: Uncertain significance (3). Last evaluated 2025-06-15.

Conditions:
TCOF1-related disorder. Also called: TCOF1-related condition.
Treacher Collins syndrome 1 (TCS1). Also called: TCOF1-Related Treacher Collins Syndrome. Identifiers: Orphanet 861, MedGen CN315775, MONDO:0007944, OMIM 154500.

Submissions (3):

PreventionGenetics, part of Exact Sciences
Classification: Uncertain significance for TCOF1-related condition. Last evaluated: 2025-06-15. Review status: criteria provided, single submitter. Criteria: ACMG Guidelines, 2015. Collection method: clinical testing. Allele origin: germline.
Comment: The TCOF1 c.3404-4C>G variant is predicted to interfere with splicing. To our knowledge, this variant has not been reported in the literature or in a large population database (gnomAD), indicating this variant is rare. At this time, the clinical significance of this variant is uncertain due to the absence of conclusive functional and genetic evidence.

Labcorp Genetics (formerly Invitae), Labcorp
Classification: Uncertain significance for Treacher Collins syndrome 1. Last evaluated: 2023-06-04. Review status: criteria provided, single submitter. Criteria: Invitae Variant Classification Sherloc (09022015). Collection method: clinical testing. Allele origin: germline.
Comment: This variant is not present in population databases (gnomAD no frequency). This variant has not been reported in the literature in individuals affected with TCOF1-related conditions. ClinVar contains an entry for this variant (Variation ID: 1313514). This sequence change falls in intron 21 of the TCOF1 gene. It does not directly change the encoded amino acid sequence of the TCOF1 protein. In summary, the available evidence is currently insufficient to determine the role of this variant in disease. Therefore, it has been classified as a Variant of Uncertain Significance. Algorithms developed to predict the effect of sequence changes on RNA splicing suggest that this variant may disrupt the consensus splice site.

GeneDx
Classification: Uncertain significance. Last evaluated: 2020-10-16. Review status: criteria provided, single submitter. Criteria: GeneDx Variant Classification Process June 2021. Collection method: clinical testing. Allele origin: germline. Affected: yes.
Comment: Not observed in large population cohorts (Lek et al., 2016); In-silico analysis, which includes splice predictors and evolutionary conservation, is inconclusive as to whether the variant alters gene splicing. In the absence of RNA/functional studies, the actual effect of this sequence change is unknown.; Has not been previously published as pathogenic or benign to our knowledge